The following is an entry in ClinVar:

NM_001743.6(CALM2):c.122G>C (p.Gly41Ala)

Gene: CALM2 (calmodulin 2; minus strand). Cytogenetic location: 2p21.
Variant type: single nucleotide variant.
Coding change: c.122G>C on transcript NM_001743.6 (MANE Select); coding-DNA position 122, G replaced by C.
Protein change: p.Gly41Ala; replaces glycine 41 with alanine.
Molecular consequence: missense variant.
Genome position (GRCh38, 1-based): chr2:47,162,575, C>G on the plus strand (G>C on the coding strand, the complement: CALM2 is on the minus strand). VCF-style: chr2-47162575-C-G. GRCh37 (hg19) VCF-style: chr2-47389714-C-G.
Other names: c.266G>C, p.Gly89Ala (NM_001305624.1); c.14G>C, p.Gly5Ala (NM_001305625.2, NM_001305626.1); short protein forms G41A, G5A, G89A.
Identifiers: ClinVar variation 4736533 (VCV004736533.1).

ClinVar aggregate classification (germline): Uncertain significance (1 of 4 stars; one submission).

Conditions:
Long QT syndrome 1 (LQT1). Identifiers: Orphanet 101016, Orphanet 768, MedGen C4551647, MONDO:0100316, OMIM 192500, MONDO:0008646.

Submission:

Labcorp Genetics (formerly Invitae), Labcorp
Classification: Uncertain significance for Long QT syndrome 1. Last evaluated: 2026-02-01. Review status: criteria provided, single submitter. Criteria: Invitae Variant Classification Sherloc (09022015). Collection method: clinical testing. Allele origin: germline.
Comment: This sequence change replaces glycine, which is neutral and non-polar, with alanine, which is neutral and non-polar, at codon 41 of the CALM2 protein (p.Gly41Ala). This variant is not present in population databases (gnomAD no frequency). This variant has not been reported in the literature in individuals affected with CALM2-related conditions. An algorithm developed to predict the effect of missense changes on protein structure and function (PolyPhen-2) suggests that this variant is likely to be disruptive. In summary, the available evidence is currently insufficient to determine the role of this variant in disease. Therefore, it has been classified as a Variant of Uncertain Significance.